The following is an entry in ClinVar:

NM_001374736.1(DST):c.16174C>T (p.Arg5392Ter)

Gene: DST (dystonin; minus strand). Cytogenetic location: 6p12.1.
Variant type: single nucleotide variant.
Coding change: c.16174C>T on transcript NM_001374736.1 (MANE Select); coding-DNA position 16174, C replaced by T.
Protein change: p.Arg5392Ter; replaces arginine 5392 with a stop codon.
Molecular consequence: nonsense.
Genome position (GRCh38, 1-based): chr6:56,552,618, G>A on the plus strand (C>T on the coding strand, the complement: DST is on the minus strand). VCF-style: chr6-56552618-G-A. GRCh37 (hg19) VCF-style: chr6-56417416-G-A.
Other names: c.9817C>T, p.Arg3273Ter (NM_001144769.5); c.9403C>T, p.Arg3135Ter (NM_001144770.2); c.16174C>T, p.Arg5392Ter (NM_001374722.1); c.15541C>T, p.Arg5181Ter (NM_001374729.1); c.9283C>T, p.Arg3095Ter (NM_001374730.1, NM_001386100.1, NM_183380.4); c.16201C>T, p.Arg5401Ter (NM_001374734.1); c.8305C>T, p.Arg2769Ter (NM_015548.5); short protein forms R3095*, R3135*, R5392*, R2769*, R5181*, R5401*, R3273*.
Identifiers: ClinVar variation 1456005 (VCV001456005.6), dbSNP rs755738894, ClinGen allele CA364514203.

ClinVar aggregate classification (germline): Pathogenic (1 of 4 stars; one submission).

Conditions:
Hereditary sensory and autonomic neuropathy type 6. Also called: Neuropathy, hereditary sensory and autonomic, type VI; HSAN VI. Identifiers: Orphanet 314381, MedGen C3539003, MONDO:0013839, OMIM 614653.
Epidermolysis bullosa simplex 3, localized or generalized intermediate, with BP230 deficiency (EBS3). Also called: Epidermolysis bullosa simplex, autosomal recessive 2; Epidermolysis bullosa simplex due to BP230 deficiency. Identifiers: Orphanet 412181, MedGen C3809470, MONDO:0014180, OMIM 615425.

gnomAD v4.1: 2 of 1,613,840 alleles (0.00012%); highest among the groups gnomAD compares: Non-Finnish European, 0.00017%; no homozygotes.

Submission:

Labcorp Genetics (formerly Invitae), Labcorp
Classification: Pathogenic for Epidermolysis bullosa simplex 3, localized or generalized intermediate, with BP230 deficiency; Hereditary sensory and autonomic neuropathy type 6. Last evaluated: 2021-08-14. Review status: criteria provided, single submitter. Criteria: Invitae Variant Classification Sherloc (09022015). Collection method: clinical testing. Allele origin: germline.
Comment: This sequence change creates a premature translational stop signal (p.Arg2769*) in the DST gene. The DST gene has multiple clinically relevant transcripts. This variant occurs in alternate transcript NM_015548.4, and corresponds to NM_001723.5:c.*62899C>T in the primary transcript. It is expected to result in an absent or disrupted protein product. Loss-of-function variants in DST are known to be pathogenic (PMID: 22522446, 25059916, 30371979). This variant is not present in population databases (ExAC no frequency). This variant has not been reported in the literature in individuals affected with DST-related conditions. For these reasons, this variant has been classified as Pathogenic.

Literature cited by the submitters: PubMed 22522446; PubMed 25059916; PubMed 30371979.